The following is an entry in ClinVar:

ClinVar aggregate classification (germline): Uncertain significance (1 of 4 stars; one submission).

Allele frequency attached by ClinVar (database versions not stated): gnomAD exomes below 0.00001; TOPMed 0.00004; gnomAD 0.00006; 1000 Genomes Project 30x 0.00016; 1000 Genomes Project 0.00020.
gnomAD v4.1: 35 of 1,606,740 alleles (0.0022%); highest among the groups gnomAD compares: African/African-American, 0.011%; no homozygotes.

Submission:

GeneDx
Classification: Uncertain significance. Last evaluated: 2020-01-08. Review status: criteria provided, single submitter. Criteria: GeneDx Variant Classification Process June 2021. Collection method: clinical testing. Allele origin: germline. Affected: yes.
Comment: Has not been previously published as pathogenic or benign to our knowledge; In silico analysis, which includes protein predictors and evolutionary conservation, supports that this variant does not alter protein structure/function

NM_001080453.3(INTS1):c.5959G>A (p.Asp1987Asn)

Gene: INTS1 (integrator complex subunit 1; minus strand). Cytogenetic location: 7p22.3.
Variant type: single nucleotide variant.
Coding change: c.5959G>A on transcript NM_001080453.3 (MANE Select); coding-DNA position 5959, G replaced by A.
Protein change: p.Asp1987Asn; replaces aspartic acid 1987 with asparagine.
Molecular consequence: missense variant.
Genome position (GRCh38, 1-based): chr7:1,473,183, C>T on the plus strand (G>A on the coding strand, the complement: INTS1 is on the minus strand). VCF-style: chr7-1473183-C-T. GRCh37 (hg19) VCF-style: chr7-1512819-C-T.
Other names: short protein forms D1987N.
Identifiers: ClinVar variation 1310858 (VCV001310858.2), dbSNP rs533859826, ClinGen allele CA152510305.
Genomic context (GRCh38, chr7:1,473,183, plus strand): 5'-GGCTGAGCCCTGCAAGGAGGGATTTCAGCATCACCAGGTCACTGTTGTCGAAGGACAGGT[C>T]GCTGGGGAGAGAAGATGCTTTCACCTGGGAGGAAGACGCTGGCAGGAGGAAGGCTGGGTC-3'
Protein context (NP_001073922.2, residues 1977-1997): FLQKHADPLH[Asp1987Asn]LSFDNSDLVM